The following is an entry in ClinVar:

NM_015542.4(UPF2):c.2068-671A>G

Gene: UPF2 (UPF2 regulator of nonsense mediated mRNA decay; minus strand). Cytogenetic location: 10p14.
Variant type: single nucleotide variant.
Coding change: c.2068-671A>G on transcript NM_015542.4 (MANE Select); 671 bases into the intron before coding-DNA position 2068, A replaced by G.
Molecular consequence: intron variant.
Genome position (GRCh38, 1-based): chr10:11,964,796, T>C on the plus strand (A>G on the coding strand, the complement: UPF2 is on the minus strand). VCF-style: chr10-11964796-T-C. GRCh37 (hg19) VCF-style: chr10-12006795-T-C.
Other names: c.2068-671A>G (NM_080599.3).
Identifiers: ClinVar variation 2640300 (VCV002640300.24), dbSNP rs185519734, ClinGen allele CA202570676.

ClinVar aggregate classification (germline): Benign (1 of 4 stars; one submission).

Allele frequency attached by ClinVar (database versions not stated): TOPMed 0.00306; gnomAD 0.00314; 1000 Genomes Project 0.00339; 1000 Genomes Project 30x 0.00359.
gnomAD v4.1: 480 of 152,306 alleles (0.32%); highest among the groups gnomAD compares: Middle Eastern, 1.4%; 3 homozygotes.

Submission:

CeGaT Center for Human Genetics Tuebingen
Classification: Benign. Last evaluated: 2022-06-01. Review status: criteria provided, single submitter. Criteria: CeGaT Center For Human Genetics Tuebingen Variant Classification Criteria Version 2. Collection method: clinical testing. Allele origin: germline. Affected: yes. Observed: 1 variant allele.
Comment: UPF2: BS1, BS2